The following is an entry in ClinVar:

ClinVar aggregate classification (germline): Uncertain significance. Review status: criteria provided, multiple submitters, no conflicts (2 of 4 stars). 2 submissions from 2 submitters: Uncertain significance (2). Last evaluated 2024-07-17.

Conditions:
Primary failure of tooth eruption. Also called: DENTAL NONERUPTION; PRIMARY RETENTION OF TEETH; UNERUPTED SECOND PRIMARY MOLAR; POSTERIOR OPENBITE MALOCCLUSION, FAMILIAL. Identifiers: Orphanet 412206, MedGen C1852222, MONDO:0007434, OMIM 125350.
Metaphyseal chondrodysplasia, Jansen type. Also called: PTH1R-Related Jansen Metaphyseal Chondrodysplasia; Metaphyseal chondrodysplasia Murk Jansen type. Identifiers: Orphanet 33067, MedGen C0265295, MONDO:0007982, OMIM 156400.
Eiken syndrome (EKNS). Also called: BONE MODELING DEFECT OF HANDS AND FEET. Identifiers: Orphanet 79106, MedGen C1838779, MONDO:0010803, OMIM 600002.
Chondrodysplasia Blomstrand type (BOCD). Identifiers: Orphanet 50945, MedGen C1859148, MONDO:0008970, OMIM 215045.

gnomAD v4.1: 12 of 1,613,742 alleles (0.00074%); highest among the groups gnomAD compares: East Asian, 0.0067%; no homozygotes.

Submissions (2):

Labcorp Genetics (formerly Invitae), Labcorp
Classification: Uncertain significance. Last evaluated: 2024-07-17. Review status: criteria provided, single submitter. Criteria: Invitae Variant Classification Sherloc (09022015). Collection method: clinical testing. Allele origin: germline.
Comment: This sequence change replaces arginine, which is basic and polar, with glutamine, which is neutral and polar, at codon 396 of the PTH1R protein (p.Arg396Gln). This variant is present in population databases (rs779171349, gnomAD 0.005%). This variant has not been reported in the literature in individuals affected with PTH1R-related conditions. Advanced modeling of protein sequence and biophysical properties (such as structural, functional, and spatial information, amino acid conservation, physicochemical variation, residue mobility, and thermodynamic stability) performed at Invitae indicates that this missense variant is not expected to disrupt PTH1R protein function with a negative predictive value of 80%. In summary, the available evidence is currently insufficient to determine the role of this variant in disease. Therefore, it has been classified as a Variant of Uncertain Significance.

Fulgent Genetics
Classification: Uncertain significance for Primary failure of tooth eruption; Metaphyseal chondrodysplasia, Jansen type; Chondrodysplasia Blomstrand type; Eiken syndrome. Last evaluated: 2024-02-02. Review status: criteria provided, single submitter. Criteria: ACMG Guidelines, 2015. Collection method: clinical testing. Allele origin: germline.

NM_000316.3(PTH1R):c.1187G>A (p.Arg396Gln)

Gene: PTH1R (parathyroid hormone 1 receptor; plus strand). Cytogenetic location: 3p21.31.
Variant type: single nucleotide variant.
Coding change: c.1187G>A on transcript NM_000316.3 (MANE Select); coding-DNA position 1187, G replaced by A.
Protein change: p.Arg396Gln; replaces arginine 396 with glutamine.
Molecular consequence: missense variant.
Genome position (GRCh38, 1-based): chr3:46,901,836, G>A. VCF-style: chr3-46901836-G-A. GRCh37 (hg19) VCF-style: chr3-46943326-G-A.
Other names: c.1187G>A, p.Arg396Gln (NM_001184744.1); short protein forms R396Q.
Identifiers: ClinVar variation 3589215 (VCV003589215.3).